The following is an entry in ClinVar:

NM_002734.5(PRKAR1A):c.620A>T (p.Tyr207Phe)

Gene: PRKAR1A (protein kinase cAMP-dependent type I regulatory subunit alpha; plus strand). Cytogenetic location: 17q24.2.
Variant type: single nucleotide variant.
Coding change: c.620A>T on transcript NM_002734.5 (MANE Select); coding-DNA position 620, A replaced by T.
Protein change: p.Tyr207Phe; replaces tyrosine 207 with phenylalanine.
Molecular consequence: missense variant.
Genome position (GRCh38, 1-based): chr17:68,525,824, A>T. VCF-style: chr17-68525824-A-T. GRCh37 (hg19) VCF-style: chr17-66521965-A-T.
Other names: c.620A>T, p.Tyr207Phe (NM_001276289.2, NM_001276290.1, NM_001278433.2 and 4 more transcripts); short protein forms Y207F.
Identifiers: ClinVar variation 1752206 (VCV001752206.7), dbSNP rs1600486197, ClinGen allele CA400753209.

ClinVar aggregate classification (germline): Uncertain significance. Review status: criteria provided, multiple submitters, no conflicts (2 of 4 stars). 2 submissions from 2 submitters: Uncertain significance (2). Last evaluated 2024-04-23.

Conditions:
Hereditary cancer-predisposing syndrome. Also called: Hereditary Cancer Syndrome; Hereditary neoplastic syndrome; Neoplastic Syndromes, Hereditary; Tumor predisposition. Identifiers: Orphanet 140162, MedGen C0027672, MeSH D009386, MONDO:0015356.
Carney complex, type 1 (CNC1). Also called: CARNEY MYXOMA-ENDOCRINE COMPLEX; CARNEY COMPLEX, TYPE I. Identifiers: Orphanet 1359, MedGen C2607929, MONDO:0008057, OMIM 160980.

Submissions (2):

Labcorp Genetics (formerly Invitae), Labcorp
Classification: Uncertain significance for Carney complex, type 1. Last evaluated: 2024-04-23. Review status: criteria provided, single submitter. Criteria: Invitae Variant Classification Sherloc (09022015). Collection method: clinical testing. Allele origin: germline.
Comment: This sequence change replaces tyrosine, which is neutral and polar, with phenylalanine, which is neutral and non-polar, at codon 207 of the PRKAR1A protein (p.Tyr207Phe). This variant is not present in population databases (gnomAD no frequency). This variant has not been reported in the literature in individuals affected with PRKAR1A-related conditions. ClinVar contains an entry for this variant (Variation ID: 1752206). Advanced modeling of protein sequence and biophysical properties (such as structural, functional, and spatial information, amino acid conservation, physicochemical variation, residue mobility, and thermodynamic stability) performed at Invitae indicates that this missense variant is expected to disrupt PRKAR1A protein function with a positive predictive value of 80%. In summary, the available evidence is currently insufficient to determine the role of this variant in disease. Therefore, it has been classified as a Variant of Uncertain Significance.

Ambry Genetics
Classification: Uncertain significance for Hereditary cancer-predisposing syndrome. Last evaluated: 2022-06-24. Review status: criteria provided, single submitter. Criteria: Ambry Variant Classification Scheme 2023. Collection method: clinical testing. Allele origin: germline.
Comment: The p.Y207F variant (also known as c.620A>T), located in coding exon 6 of the PRKAR1A gene, results from an A to T substitution at nucleotide position 620. The tyrosine at codon 207 is replaced by phenylalanine, an amino acid with highly similar properties. This amino acid position is conserved. In addition, the in silico prediction for this alteration is inconclusive. Since supporting evidence is limited at this time, the clinical significance of this alteration remains unclear.